The following is an entry in ClinVar:

NM_000217.3(KCNA1):c.995T>C (p.Phe332Ser)

Gene: KCNA1 (potassium voltage-gated channel subfamily A member 1; plus strand). Cytogenetic location: 12p13.32.
Variant type: single nucleotide variant.
Coding change: c.995T>C on transcript NM_000217.3 (MANE Select); coding-DNA position 995, T replaced by C.
Protein change: p.Phe332Ser; replaces phenylalanine 332 with serine.
Molecular consequence: missense variant.
Genome position (GRCh38, 1-based): chr12:4,912,373, T>C. VCF-style: chr12-4912373-T-C. GRCh37 (hg19) VCF-style: chr12-5021539-T-C.
Other names: short protein forms F332S.
Identifiers: ClinVar variation 1052052 (VCV001052052.9), dbSNP rs752533303, ClinGen allele CA6399453.

ClinVar aggregate classification (germline): Uncertain significance (1 of 4 stars; one submission).

Conditions:
Episodic ataxia type 1 (EA1). Also called: PAROXYSMAL ATAXIA WITH NEUROMYOTONIA, HEREDITARY; MYOKYMIA WITH PERIODIC ATAXIA; Episodic ataxia/myokymia syndrome; ATAXIA, EPISODIC, WITH MYOKYMIA. Identifiers: Orphanet 37612, Orphanet 972, MedGen C1719788, MONDO:0008047, OMIM 160120.

Allele frequency attached by ClinVar (database versions not stated): gnomAD exomes below 0.00001 and 0.00001; ExAC 0.00002.

Submission:

Labcorp Genetics (formerly Invitae), Labcorp
Classification: Uncertain significance for Episodic ataxia type 1. Last evaluated: 2024-10-24. Review status: criteria provided, single submitter. Criteria: Invitae Variant Classification Sherloc (09022015). Collection method: clinical testing. Allele origin: germline.
Comment: This sequence change replaces phenylalanine, which is neutral and non-polar, with serine, which is neutral and polar, at codon 332 of the KCNA1 protein (p.Phe332Ser). This variant is present in population databases (rs752533303, gnomAD 0.01%). This variant has not been reported in the literature in individuals affected with KCNA1-related conditions. ClinVar contains an entry for this variant (Variation ID: 1052052). Invitae Evidence Modeling of protein sequence and biophysical properties (such as structural, functional, and spatial information, amino acid conservation, physicochemical variation, residue mobility, and thermodynamic stability) indicates that this missense variant is expected to disrupt KCNA1 protein function with a positive predictive value of 95%. In summary, the available evidence is currently insufficient to determine the role of this variant in disease. Therefore, it has been classified as a Variant of Uncertain Significance.